The following is an entry in ClinVar:

ClinVar aggregate classification (germline): Uncertain significance (1 of 4 stars; one submission).

Allele frequency attached by ClinVar (database versions not stated): gnomAD exomes 0.00001; TOPMed 0.00001; ExAC 0.00002.
gnomAD v4.1: 18 of 1,614,164 alleles (0.0011%); highest among the groups gnomAD compares: Admixed American, 0.0033%; no homozygotes.

Submission:

Labcorp Genetics (formerly Invitae), Labcorp
Classification: Uncertain significance. Last evaluated: 2022-07-11. Review status: criteria provided, single submitter. Criteria: Invitae Variant Classification Sherloc (09022015). Collection method: clinical testing. Allele origin: germline.
Comment: This sequence change replaces alanine, which is neutral and non-polar, with threonine, which is neutral and polar, at codon 689 of the HPS4 protein (p.Ala689Thr). This variant is present in population databases (rs768192969, gnomAD 0.003%). This variant has not been reported in the literature in individuals affected with HPS4-related conditions. ClinVar contains an entry for this variant (Variation ID: 1383152). Algorithms developed to predict the effect of missense changes on protein structure and function output the following: SIFT: "Tolerated"; PolyPhen-2: "Possibly Damaging"; Align-GVGD: "Class C0". The threonine amino acid residue is found in multiple mammalian species, which suggests that this missense change does not adversely affect protein function. In summary, the available evidence is currently insufficient to determine the role of this variant in disease. Therefore, it has been classified as a Variant of Uncertain Significance.

NM_022081.6(HPS4):c.2065G>A (p.Ala689Thr)

Gene: HPS4 (HPS4 biogenesis of lysosomal organelles complex 3 subunit 2; minus strand). Cytogenetic location: 22q12.1.
Variant type: single nucleotide variant.
Coding change: c.2065G>A on transcript NM_022081.6 (MANE Select); coding-DNA position 2065, G replaced by A.
Protein change: p.Ala689Thr; replaces alanine 689 with threonine.
Molecular consequence: missense variant. On other transcripts: non-coding transcript variant (8), intron variant (2).
Genome position (GRCh38, 1-based): chr22:26,453,295, C>T on the plus strand (G>A on the coding strand, the complement: HPS4 is on the minus strand). VCF-style: chr22-26453295-C-T. GRCh37 (hg19) VCF-style: chr22-26849261-C-T.
Other names: c.2065G>A, p.Ala689Thr (NM_001349896.1, NM_001349898.2, NM_001349899.2); c.2119G>A, p.Ala707Thr (NM_001349900.2, NM_001349901.1); c.1823G>A, p.Arg608His (NM_001349902.1, NM_001349903.2); c.2050G>A, p.Ala684Thr (NM_152841.2); c.1955+4564G>A (NM_001349905.1, NM_001349904.2); short protein forms A684T, A689T, A707T, R608H.
Identifiers: ClinVar variation 1383152 (VCV001383152.3), dbSNP rs768192969, ClinGen allele CA10163085.